The following is an entry in ClinVar:

NM_021254.4(CFAP298):c.199G>A (p.Asp67Asn)

Genes: CFAP298 (cilia and flagella associated protein 298; minus strand), CFAP298-TCP10L (CFAP298-TCP10L readthrough; minus strand). Cytogenetic location: 21q22.11.
Variant type: single nucleotide variant.
Coding change: c.199G>A on transcript NM_021254.4 (MANE Select); coding-DNA position 199, G replaced by A.
Protein change: p.Asp67Asn; replaces aspartic acid 67 with asparagine.
Molecular consequence: missense variant. On other transcripts: non-coding transcript variant (2), 5 prime UTR variant (1).
Genome position (GRCh38, 1-based): chr21:32,609,946, C>T on the plus strand (G>A on the coding strand, the complement: CFAP298 is on the minus strand). VCF-style: chr21-32609946-C-T. GRCh37 (hg19) VCF-style: chr21-33982256-C-T.
Other names: c.199G>A, p.Asp67Asn (NM_001350338.2, NM_001350335.2, NM_001350336.2 and 1 more transcripts); c.-31G>A (NM_001350334.2); short protein forms D67N.
Identifiers: ClinVar variation 578467 (VCV000578467.7), dbSNP rs76974938, ClinGen allele CA10002944.
Genomic context (GRCh38, chr21:32,609,946, plus strand): 5'-CGCTGGGTACGCATTTTTCACCCCATTCATCCTTCAATTTCAATTCTTCAATCTGATCAT[C>T]GGTCAGTCCTTGCATATTAGGAGGGAGAAATATGCCATGTTCGGCTAATTCTTCCATTTC-3'
Protein context (NP_067077.1, residues 57-77): FLPPNMQGLT[Asp67Asn]DQIEELKLKD

ClinVar aggregate classification (germline): Uncertain significance. Review status: criteria provided, single submitter (1 of 4 stars). 2 submissions from 2 submitters: Uncertain significance (1). 1 of the submissions does not count toward it. Last evaluated 2021-08-28.

Conditions:
CFAP298-related disorder. Also called: CFAP298-related condition.

Allele frequency attached by ClinVar (database versions not stated): gnomAD exomes 0.00005 and 0.00013; ExAC 0.00019; ESP Exome Variant Server 0.00046; TOPMed 0.00052; gnomAD 0.00054 and 0.00056; 1000 Genomes Project 0.00100; 1000 Genomes Project 30x 0.00109.

Submissions (2):

Labcorp Genetics (formerly Invitae), Labcorp
Classification: Uncertain significance. Last evaluated: 2021-08-28. Review status: criteria provided, single submitter. Criteria: Invitae Variant Classification Sherloc (09022015). Collection method: clinical testing. Allele origin: germline.

PreventionGenetics, part of Exact Sciences
Classification: Likely benign for CFAP298-related condition. Last evaluated: 2024-05-12. Review status: no assertion criteria provided. Collection method: clinical testing. Allele origin: germline. Not counted in ClinVar's aggregate classification.
Comment: This variant is classified as likely benign based on ACMG/AMP sequence variant interpretation guidelines (Richards et al. 2015 PMID: 25741868, with internal and published modifications).